The following is an entry in ClinVar:

NM_018979.4(WNK1):c.6123T>A (p.Leu2041=)

Gene: WNK1 (WNK lysine deficient protein kinase 1; plus strand). Cytogenetic location: 12p13.33.
Variant type: single nucleotide variant.
Coding change: c.6123T>A on transcript NM_018979.4 (MANE Select); coding-DNA position 6123, T replaced by A.
Protein change: p.Leu2041=; no amino-acid change (leucine 2041 retained).
Molecular consequence: synonymous variant.
Genome position (GRCh38, 1-based): chr12:896,610, T>A. VCF-style: chr12-896610-T-A. GRCh37 (hg19) VCF-style: chr12-1005776-T-A.
Other names: c.6903T>A, p.Leu2301= (NM_001184985.2); c.5379T>A, p.Leu1793= (NM_014823.3); c.6879T>A, p.Leu2293= (NM_213655.5).
Identifiers: ClinVar variation 471204 (VCV000471204.13), dbSNP rs189148252, ClinGen allele CA6383335.

ClinVar aggregate classification (germline): Likely benign. Review status: criteria provided, multiple submitters, no conflicts (2 of 4 stars). 3 submissions from 3 submitters: Likely benign (3). Last evaluated 2025-07-09.

Conditions:
WNK1-related disorder. Also called: WNK1-related condition.
Neuropathy, hereditary sensory and autonomic, type 2A (HSAN2A). Also called: HSAN IIA; ACROOSTEOLYSIS, GIACCAI TYPE; ACROOSTEOLYSIS, NEUROGENIC; MORVAN DISEASE; NEUROPATHY, CONGENITAL SENSORY; NEUROPATHY, HEREDITARY SENSORY RADICULAR, AUTOSOMAL RECESSIVE. Identifiers: Orphanet 970, MedGen C2752089, MONDO:0024309, OMIM 201300.
Pseudohypoaldosteronism type 2C (PHA2C). Also called: Pseudohypoaldosteronism Type IIC. Identifiers: Orphanet 757, Orphanet 88940, MedGen C1840391, MONDO:0013778, OMIM 614492.

Allele frequency attached by ClinVar (database versions not stated): gnomAD exomes 0.00003 and 0.00007; ExAC 0.00005; gnomAD 0.00022 and 0.00024; TOPMed 0.00047; 1000 Genomes Project 0.00100; 1000 Genomes Project 30x 0.00109.
gnomAD v4.1: 83 of 1,608,996 alleles (0.0052%); highest among the groups gnomAD compares: Admixed American, 0.074%; no homozygotes.

Submissions (3):

Labcorp Genetics (formerly Invitae), Labcorp
Classification: Likely benign for Neuropathy, hereditary sensory and autonomic, type 2A; Pseudohypoaldosteronism type 2C. Last evaluated: 2025-07-09. Review status: criteria provided, single submitter. Criteria: Invitae Variant Classification Sherloc (09022015). Collection method: clinical testing. Allele origin: germline.

PreventionGenetics, part of Exact Sciences
Classification: Likely benign for WNK1-related condition. Last evaluated: 2025-05-06. Review status: criteria provided, single submitter. Criteria: ACMG Guidelines, 2015. Collection method: clinical testing. Allele origin: germline.
Comment: This variant is classified as likely benign based on ACMG/AMP sequence variant interpretation guidelines (Richards et al. 2015 PMID: 25741868, with internal and published modifications).

Fulgent Genetics
Classification: Likely benign for Neuropathy, hereditary sensory and autonomic, type 2A; Pseudohypoaldosteronism type 2C. Last evaluated: 2022-01-06. Review status: criteria provided, single submitter. Criteria: ACMG Guidelines, 2015. Collection method: clinical testing. Allele origin: unknown.